The following is an entry in ClinVar:

ClinVar aggregate classification (germline): Likely benign. Review status: criteria provided, single submitter (1 of 4 stars). 2 submissions from 2 submitters: Likely benign (1). 1 of the submissions does not count toward it. Last evaluated 2022-10-23.

Conditions:
Desbuquois dysplasia 1 (DBQD1). Also called: MICROMELIC DWARFISM WITH VERTEBRAL AND METAPHYSEAL ABNORMALITIES AND ADVANCED CARPOTARSAL OSSIFICATION; DESBUQUOIS DYSPLASIA 1, KIM VARIANT. Identifiers: Orphanet 1425, MedGen C4012146, MONDO:0009629, OMIM 251450.
XYLT1-related disorder. Also called: XYLT1-related condition.

Allele frequency attached by ClinVar (database versions not stated): gnomAD 0.00001; gnomAD exomes 0.00001; ExAC 0.00002; TOPMed 0.00002; ESP Exome Variant Server 0.00008.
gnomAD v4.1: 14 of 1,614,032 alleles (0.00087%); highest among the groups gnomAD compares: African/African-American, 0.0027%; no homozygotes.

Submissions (2):

Labcorp Genetics (formerly Invitae), Labcorp
Classification: Likely benign for Desbuquois dysplasia 1. Last evaluated: 2022-10-23. Review status: criteria provided, single submitter. Criteria: Invitae Variant Classification Sherloc (09022015). Collection method: clinical testing. Allele origin: germline.

PreventionGenetics, part of Exact Sciences
Classification: Likely benign for XYLT1-related condition. Last evaluated: 2019-03-12. Review status: no assertion criteria provided. Collection method: clinical testing. Allele origin: germline. Not counted in ClinVar's aggregate classification.
Comment: This variant is classified as likely benign based on ACMG/AMP sequence variant interpretation guidelines (Richards et al. 2015 PMID: 25741868, with internal and published modifications).

NM_022166.4(XYLT1):c.1353C>T (p.His451=)

Gene: XYLT1 (xylosyltransferase 1; minus strand). Cytogenetic location: 16p12.3.
Variant type: single nucleotide variant.
Coding change: c.1353C>T on transcript NM_022166.4 (MANE Select); coding-DNA position 1353, C replaced by T.
Protein change: p.His451=; no amino-acid change (histidine 451 retained).
Molecular consequence: synonymous variant.
Genome position (GRCh38, 1-based): chr16:17,158,846, G>A on the plus strand (C>T on the coding strand, the complement: XYLT1 is on the minus strand). VCF-style: chr16-17158846-G-A. GRCh37 (hg19) VCF-style: chr16-17252703-G-A.
Other names: c.1353C>T (NM_022166.3).
Identifiers: ClinVar variation 1143706 (VCV001143706.11), dbSNP rs200531572, ClinGen allele CA7927941.
Genomic context (GRCh38, chr16:17,158,846, plus strand): 5'-TTTTCATTTCCATTTTGTACAGGGGTAGGGGTTGAGGTGCTACCTTGCATTGTCCCGGCC[G>A]TGTGACTTCAAGAAATTCATATCTCGGTATCGGGAGAGAAACGCCACCAACTGGTCATTT-3'
Protein context (NP_071449.1, residues 441-461): RYRDMNFLKS[His451=]GRDNARFIRK